The following is an entry in ClinVar:

NM_000117.3(EMD):c.262A>T (p.Lys88Ter)

Gene: EMD (emerin; plus strand). Cytogenetic location: Xq28.
Variant type: single nucleotide variant.
Coding change: c.262A>T on transcript NM_000117.3 (MANE Select); coding-DNA position 262, A replaced by T.
Protein change: p.Lys88Ter; replaces lysine 88 with a stop codon.
Molecular consequence: nonsense.
Genome position (GRCh38, 1-based): chrX:154,380,016, A>T. VCF-style: chrX-154380016-A-T. GRCh37 (hg19) VCF-style: chrX-153608376-A-T.
Other names: short protein forms K88*.
Identifiers: ClinVar variation 2708670 (VCV002708670.3), dbSNP rs2522788362, ClinGen allele CA415257759.

ClinVar aggregate classification (germline): Pathogenic (1 of 4 stars; one submission).

Conditions:
X-linked Emery-Dreifuss muscular dystrophy. Also called: Muscular dystrophy, tardive Emery-Dreifuss type, with contractures. Identifiers: Orphanet 261, Orphanet 98863, MedGen C0751337, MONDO:0010680.

Submission:

Labcorp Genetics (formerly Invitae), Labcorp
Classification: Pathogenic for X-linked Emery-Dreifuss muscular dystrophy. Last evaluated: 2023-06-10. Review status: criteria provided, single submitter. Criteria: Invitae Variant Classification Sherloc (09022015). Collection method: clinical testing. Allele origin: germline.
Comment: This sequence change creates a premature translational stop signal (p.Lys88*) in the EMD gene. It is expected to result in an absent or disrupted protein product. Loss-of-function variants in EMD are known to be pathogenic (PMID: 24365856). This variant is not present in population databases (gnomAD no frequency). This variant has not been reported in the literature in individuals affected with EMD-related conditions. For these reasons, this variant has been classified as Pathogenic.

Literature cited by the submitters: PubMed 24365856.